The following is an entry in ClinVar:

ClinVar aggregate classification (germline): Uncertain significance (1 of 4 stars; one submission).

gnomAD v4.1: 7 of 1,613,640 alleles (0.00043%); highest among the groups gnomAD compares: Non-Finnish European, 0.00059%; no homozygotes.

Submission:

Clinical Genomics Laboratory, Washington University in St. Louis
Classification: Uncertain significance. Last evaluated: 2026-04-03. Review status: criteria provided, single submitter. Criteria: ACMG Guidelines, 2015. Collection method: clinical testing. Allele origin: germline.
Comment: The GRM5 c.2531G>A (p.Arg844His) variant, to our knowledge, has not been reported in the medical literature. This variant is absent from the general population (gnomAD v2.1.1), indicating it is not a common variant. Computational predictors indicate that the variant is damaging, evidence that correlates with impact on GRM5 function. Due to limited information, the clinical significance of this variant is uncertain.

NM_001143831.3(GRM5):c.2531G>A (p.Arg844His)

Gene: GRM5 (glutamate metabotropic receptor 5; minus strand). Cytogenetic location: 11q14.2.
Variant type: single nucleotide variant.
Coding change: c.2531G>A on transcript NM_001143831.3 (MANE Select); coding-DNA position 2531, G replaced by A.
Protein change: p.Arg844His; replaces arginine 844 with histidine.
Molecular consequence: missense variant.
Genome position (GRCh38, 1-based): chr11:88,567,152, C>T on the plus strand (G>A on the coding strand, the complement: GRM5 is on the minus strand). VCF-style: chr11-88567152-C-T. GRCh37 (hg19) VCF-style: chr11-88300320-C-T.
Other names: c.2531G>A, p.Arg844His (NM_000842.5, NM_001384268.1); short protein forms R844H.
Identifiers: ClinVar variation 4879262 (VCV004879262.1).